The following is an entry in ClinVar:

ClinVar aggregate classification (germline): Likely benign. Review status: criteria provided, single submitter (1 of 4 stars). 2 submissions from 2 submitters: Likely benign (1). 1 of the submissions does not count toward it. Last evaluated 2021-10-27.

Conditions:
Inborn genetic diseases. Identifiers: MedGen C0950123, MeSH D030342.
TRAF7-related disorder. Also called: TRAF7-related condition.

Allele frequency attached by ClinVar (database versions not stated): gnomAD exomes 0.00003; ExAC 0.00015; 1000 Genomes Project 30x 0.00016; gnomAD 0.00016; TOPMed 0.00017; 1000 Genomes Project 0.00020; ESP Exome Variant Server 0.00023.

Submissions (2):

Ambry Genetics
Classification: Likely benign for Inborn genetic diseases. Last evaluated: 2021-10-27. Review status: criteria provided, single submitter. Criteria: Ambry Variant Classification Scheme 2023. Collection method: clinical testing. Allele origin: germline.

PreventionGenetics, part of Exact Sciences
Classification: Likely benign for TRAF7-related condition. Last evaluated: 2023-01-05. Review status: no assertion criteria provided. Collection method: clinical testing. Allele origin: germline. Not counted in ClinVar's aggregate classification.
Comment: This variant is classified as likely benign based on ACMG/AMP sequence variant interpretation guidelines (Richards et al. 2015 PMID: 25741868, with internal and published modifications).

NM_032271.3(TRAF7):c.200C>G (p.Ala67Gly)

Gene: TRAF7 (TNF receptor associated factor 7; plus strand). Cytogenetic location: 16p13.3.
Variant type: single nucleotide variant.
Coding change: c.200C>G on transcript NM_032271.3 (MANE Select); coding-DNA position 200, C replaced by G.
Protein change: p.Ala67Gly; replaces alanine 67 with glycine.
Molecular consequence: missense variant.
Genome position (GRCh38, 1-based): chr16:2,168,137, C>G. VCF-style: chr16-2168137-C-G. GRCh37 (hg19) VCF-style: chr16-2218138-C-G.
Other names: short protein forms A67G.
Identifiers: ClinVar variation 2352785 (VCV002352785.4), dbSNP rs369733800, ClinGen allele CA7834447.